The following is an entry in ClinVar:

ClinVar aggregate classification (germline): Uncertain significance (1 of 4 stars; one submission).

Submission:

Ambry Genetics
Classification: Uncertain significance. Last evaluated: 2023-12-23. Review status: criteria provided, single submitter. Criteria: Ambry Variant Classification Scheme 2023. Collection method: clinical testing. Allele origin: germline.
Comment: The p.T811I variant (also known as c.2432C>T), located in coding exon 19 of the A2ML1 gene, results from a C to T substitution at nucleotide position 2432. The threonine at codon 811 is replaced by isoleucine, an amino acid with similar properties. This amino acid position is conserved. In addition, this alteration is predicted to be tolerated by in silico analysis. Since supporting evidence is limited at this time, the clinical significance of this alteration remains unclear.

NM_144670.6(A2ML1):c.2432C>T (p.Thr811Ile)

Gene: A2ML1 (alpha-2-macroglobulin like 1; plus strand). Cytogenetic location: 12p13.31.
Variant type: single nucleotide variant.
Coding change: c.2432C>T on transcript NM_144670.6 (MANE Select); coding-DNA position 2432, C replaced by T.
Protein change: p.Thr811Ile; replaces threonine 811 with isoleucine.
Molecular consequence: missense variant.
Genome position (GRCh38, 1-based): chr12:8,851,981, C>T. VCF-style: chr12-8851981-C-T. GRCh37 (hg19) VCF-style: chr12-9004577-C-T.
Other names: c.959C>T, p.Thr320Ile (NM_001282424.3); short protein forms T320I, T811I.
Identifiers: ClinVar variation 3229195 (VCV003229195.1), dbSNP rs2539257302, ClinGen allele CA383833460.